The following is an entry in ClinVar:

NM_000321.3(RB1):c.1625T>A (p.Leu542Ter)

Gene: RB1 (RB transcriptional corepressor 1; plus strand). Cytogenetic location: 13q14.2.
Variant type: single nucleotide variant.
Coding change: c.1625T>A on transcript NM_000321.3 (MANE Select); coding-DNA position 1625, T replaced by A.
Protein change: p.Leu542Ter; replaces leucine 542 with a stop codon.
Molecular consequence: nonsense.
Genome position (GRCh38, 1-based): chr13:48,381,373, T>A. VCF-style: chr13-48381373-T-A. GRCh37 (hg19) VCF-style: chr13-48955509-T-A.
Other names: short protein forms L542*.
Identifiers: ClinVar variation 645660 (VCV000645660.9), dbSNP rs1593457065, ClinGen allele CA388163807.
Genomic context (GRCh38, chr13:48,381,373, plus strand): 5'-ATTTAAAAGCCTTTGATTTTTACAAAGTGATCGAAAGTTTTATCAAAGCAGAAGGCAACT[T>A]GACAAGAGAAATGATAAAACATTTAGAACGATGTGAACATCGAATCATGGAATCCCTTGC-3'

ClinVar aggregate classification (germline): Pathogenic. Review status: criteria provided, multiple submitters, no conflicts (2 of 4 stars). 2 submissions from 2 submitters: Pathogenic (2). Last evaluated 2021-11-12.

Conditions:
Retinoblastoma (RB1). Also called: RETINOBLASTOMA, SOMATIC. Identifiers: Orphanet 790, MedGen C0035335, MeSH D012175, MONDO:0008380, OMIM 180200, HP:0009919. Disease mechanism: loss of function. Inheritance: Both sporadic and heritable forms are tested..
Hereditary cancer-predisposing syndrome. Also called: Hereditary Cancer Syndrome; Tumor predisposition; Hereditary neoplastic syndrome; Neoplastic Syndromes, Hereditary. Identifiers: Orphanet 140162, MedGen C0027672, MeSH D009386, MONDO:0015356.

Submissions (2):

Ambry Genetics
Classification: Pathogenic for Hereditary cancer-predisposing syndrome. Last evaluated: 2021-11-12. Review status: criteria provided, single submitter. Criteria: Ambry Variant Classification Scheme 2023. Collection method: clinical testing. Allele origin: germline.
Comment: The p.L542* pathogenic mutation (also known as c.1625T>A), located in coding exon 17 of the RB1 gene, results from a T to A substitution at nucleotide position 1625. This changes the amino acid from a leucine to a stop codon within coding exon 17. This alteration is expected to result in loss of function by premature protein truncation or nonsense-mediated mRNA decay. As such, this alteration is interpreted as a disease-causing mutation.

Labcorp Genetics (formerly Invitae), Labcorp
Classification: Pathogenic for Retinoblastoma. Last evaluated: 2018-10-18. Review status: criteria provided, single submitter. Criteria: Invitae Variant Classification Sherloc (09022015). Collection method: clinical testing. Allele origin: germline.
Comment: For these reasons, this variant has been classified as Pathogenic. Loss-of-function variants in RB1 are known to be pathogenic (PMID: 17096365). This variant has not been reported in the literature in individuals with RB1-related disease. This variant is not present in population databases (ExAC no frequency). This sequence change creates a premature translational stop signal (p.Leu542*) in the RB1 gene. It is expected to result in an absent or disrupted protein product.

Literature cited by the submitters: PubMed 17096365 (cited by Labcorp Genetics (formerly Invitae), Labcorp).